The following is an entry in ClinVar:

NM_030662.4(MAP2K2):c.329C>T (p.Ala110Val)

Gene: MAP2K2 (mitogen-activated protein kinase kinase 2; minus strand). Cytogenetic location: 19p13.3.
Variant type: single nucleotide variant.
Coding change: c.329C>T on transcript NM_030662.4 (MANE Select); coding-DNA position 329, C replaced by T.
Protein change: p.Ala110Val; replaces alanine 110 with valine.
Molecular consequence: missense variant.
Genome position (GRCh38, 1-based): chr19:4,110,630, G>A on the plus strand (C>T on the coding strand, the complement: MAP2K2 is on the minus strand). VCF-style: chr19-4110630-G-A. GRCh37 (hg19) VCF-style: chr19-4110628-G-A.
Other names: short protein forms A110V.
Identifiers: ClinVar variation 3602396 (VCV003602396.1).

ClinVar aggregate classification (germline): Uncertain significance (1 of 4 stars; one submission).

gnomAD v4.1: 1 of 1,613,510 alleles (0.000062%); highest among the groups gnomAD compares: South Asian, 0.0011%; no homozygotes.

Submission:

GeneDx
Classification: Uncertain significance. Last evaluated: 2024-07-29. Review status: criteria provided, single submitter. Criteria: GeneDx Variant Classification Process June 2021. Collection method: clinical testing. Allele origin: germline. Affected: yes.
Comment: Has not been previously published as pathogenic or benign to our knowledge; In silico analysis supports that this missense variant has a deleterious effect on protein structure/function; Missense variants in this gene are a common cause of disease and they are underrepresented in the general population